The following is an entry in ClinVar:

NM_001291303.3(FAT4):c.5786G>T (p.Arg1929Ile)

Gene: FAT4 (FAT atypical cadherin 4; plus strand). Cytogenetic location: 4q28.1.
Variant type: single nucleotide variant.
Coding change: c.5786G>T on transcript NM_001291303.3 (MANE Select); coding-DNA position 5786, G replaced by T.
Protein change: p.Arg1929Ile; replaces arginine 1929 with isoleucine.
Molecular consequence: missense variant.
Genome position (GRCh38, 1-based): chr4:125,408,660, G>T. VCF-style: chr4-125408660-G-T. GRCh37 (hg19) VCF-style: chr4-126329815-G-T.
Other names: c.5786G>T, p.Arg1929Ile (NM_001291285.3, NM_024582.6); short protein forms R1929I.
Identifiers: ClinVar variation 1990284 (VCV001990284.1), dbSNP rs770797536, ClinGen allele CA104849460.

ClinVar aggregate classification (germline): Uncertain significance (1 of 4 stars; one submission).

gnomAD v4.1: 3 of 1,610,156 alleles (0.00019%); highest among the groups gnomAD compares: Admixed American, 0.0033%; no homozygotes.

Submission:

Labcorp Genetics (formerly Invitae), Labcorp
Classification: Uncertain significance. Last evaluated: 2022-08-09. Review status: criteria provided, single submitter. Criteria: Invitae Variant Classification Sherloc (09022015). Collection method: clinical testing. Allele origin: germline.
Comment: This sequence change replaces arginine, which is basic and polar, with isoleucine, which is neutral and non-polar, at codon 1929 of the FAT4 protein (p.Arg1929Ile). This variant is present in population databases (rs770797536, gnomAD 0.006%). This variant has not been reported in the literature in individuals affected with FAT4-related conditions. Advanced modeling of protein sequence and biophysical properties (such as structural, functional, and spatial information, amino acid conservation, physicochemical variation, residue mobility, and thermodynamic stability) performed at Invitae indicates that this missense variant is not expected to disrupt FAT4 protein function. In summary, the available evidence is currently insufficient to determine the role of this variant in disease. Therefore, it has been classified as a Variant of Uncertain Significance.